The following is an entry in ClinVar:

ClinVar aggregate classification (germline): Uncertain significance (1 of 4 stars; one submission).

Conditions:
Acrocallosal syndrome (ACLS). Also called: HALLUX DUPLICATION, POSTAXIAL POLYDACTYLY, AND ABSENCE OF CORPUS CALLOSUM; Schinzel syndrome 1; Absence of corpus callosum with unusual facial appearance, mental deficiency, duplication of the halluces and polydactyly. Identifiers: Orphanet 36, MedGen C0796147, MONDO:0008708, OMIM 200990.

Allele frequency attached by ClinVar (database versions not stated): ExAC 0.00005.

Submission:

Labcorp Genetics (formerly Invitae), Labcorp
Classification: Uncertain significance for Acrocallosal syndrome. Last evaluated: 2024-04-17. Review status: criteria provided, single submitter. Criteria: Invitae Variant Classification Sherloc (09022015). Collection method: clinical testing. Allele origin: germline.
Comment: This sequence change replaces leucine, which is neutral and non-polar, with methionine, which is neutral and non-polar, at codon 140 of the KIF7 protein (p.Leu140Met). This variant is present in population databases (rs756117745, gnomAD 0.002%). This variant has not been reported in the literature in individuals affected with KIF7-related conditions. ClinVar contains an entry for this variant (Variation ID: 2095422). Advanced modeling of protein sequence and biophysical properties (such as structural, functional, and spatial information, amino acid conservation, physicochemical variation, residue mobility, and thermodynamic stability) performed at Invitae indicates that this missense variant is not expected to disrupt KIF7 protein function with a negative predictive value of 80%. In summary, the available evidence is currently insufficient to determine the role of this variant in disease. Therefore, it has been classified as a Variant of Uncertain Significance.

NM_198525.3(KIF7):c.418C>A (p.Leu140Met)

Gene: KIF7 (kinesin family member 7; minus strand). Cytogenetic location: 15q26.1.
Variant type: single nucleotide variant.
Coding change: c.418C>A on transcript NM_198525.3 (MANE Select); coding-DNA position 418, C replaced by A.
Protein change: p.Leu140Met; replaces leucine 140 with methionine.
Molecular consequence: missense variant.
Genome position (GRCh38, 1-based): chr15:89,649,852, G>T on the plus strand (C>A on the coding strand, the complement: KIF7 is on the minus strand). VCF-style: chr15-89649852-G-T. GRCh37 (hg19) VCF-style: chr15-90193083-G-T.
Other names: short protein forms L140M.
Identifiers: ClinVar variation 2095422 (VCV002095422.4), dbSNP rs756117745, ClinGen allele CA7728637.